The following is an entry in ClinVar:

NM_001458.5(FLNC):c.563del (p.Gly188fs)

Gene: FLNC (filamin C; plus strand). Cytogenetic location: 7q32.1.
Variant type: Deletion.
Coding change: c.563del on transcript NM_001458.5 (MANE Select); coding-DNA position 563, one base deleted (G; older notation c.563delG).
Protein change: p.Gly188fs; shifts the reading frame from glycine 188.
Molecular consequence: frameshift variant.
Genome position (GRCh38, 1-based): chr7:128,835,536, G deleted; the last of 2 consecutive G bases (chr7:128,835,535-128,835,536); deleting either gives the same sequence. VCF-style (leftmost placement, unchanged base first): chr7-128835534-CG-C. GRCh37 (hg19) VCF-style: chr7-128475588-CG-C.
Other names: c.563delG (NM_001458.4); c.563del, p.Gly188fs (NM_001127487.2); short protein forms G188fs.
Identifiers: ClinVar variation 1074377 (VCV001074377.8), dbSNP rs2128933688, ClinGen allele CA2499218715.
Genomic context (GRCh38, chr7:128,835,534, plus strand): 5'-CTGGATCCAGAACAAGGTGCCCCAGCTGCCCATCACCAACTTCAACCGTGACTGGCAGGA[CG>C]GCAAAGCTCTGGGCGCCCTGGTGGACAACTGCGCCCCCGGTGAGTGGGCCAGTGAGCACA-3'

ClinVar aggregate classification (germline): Pathogenic. Review status: criteria provided, multiple submitters, no conflicts (2 of 4 stars). 2 submissions from 2 submitters: Pathogenic (2). Last evaluated 2026-04-28.

Conditions:
Myofibrillar myopathy 5. Also called: Filaminopathy (type); FILAMINOPATHY, AUTOSOMAL DOMINANT. Identifiers: Orphanet 171445, MedGen C1836050, MONDO:0012289, OMIM 609524.
Hypertrophic cardiomyopathy 26. Also called: Cardiomyopathy, familial hypertrophic, 26. Identifiers: Orphanet 75249, MedGen C4310749, MONDO:0014883, OMIM 617047.
Distal myopathy with posterior leg and anterior hand involvement. Also called: WILLIAMS DISTAL MYOPATHY. Identifiers: Orphanet 63273, MedGen C3279722, MONDO:0013550, OMIM 614065.
Cardiovascular phenotype. Identifiers: MedGen CN230736.

Submissions (2):

Ambry Genetics
Classification: Pathogenic for Cardiovascular phenotype. Last evaluated: 2026-04-28. Review status: criteria provided, single submitter. Criteria: Ambry Variant Classification Scheme 2023. Collection method: clinical testing. Allele origin: germline.
Comment: The c.563delG pathogenic mutation, located in coding exon 2 of the FLNC gene, results from a deletion of one nucleotide at nucleotide position 563, causing a translational frameshift with a predicted alternate stop codon (p.G188Afs*64). This variant was reported in individual(s) with features consistent with dilated cardiomyopathy (Ambry internal data). This alteration is expected to result in loss of function by premature protein truncation or nonsense-mediated mRNA decay. Based on the supporting evidence, this variant is interpreted as a disease-causing mutation for FLNC-related dilated cardiomyopathy; however, its clinical significance for FLNC-related hypertrophy/restrictive cardiomyopathy and/or skeletal myopathy is uncertain.

Labcorp Genetics (formerly Invitae), Labcorp
Classification: Pathogenic for Distal myopathy with posterior leg and anterior hand involvement; Myofibrillar myopathy 5; Hypertrophic cardiomyopathy 26. Last evaluated: 2026-01-27. Review status: criteria provided, single submitter. Criteria: Invitae Variant Classification Sherloc (09022015). Collection method: clinical testing. Allele origin: germline.
Comment: This sequence change creates a premature translational stop signal (p.Gly188Alafs*64) in the FLNC gene. It is expected to result in an absent or disrupted protein product. Loss-of-function variants in FLNC are known to be pathogenic (PMID: 27908349). This variant is not present in population databases (gnomAD no frequency). This variant has not been reported in the literature in individuals affected with FLNC-related conditions. ClinVar contains an entry for this variant (Variation ID: 1074377). For these reasons, this variant has been classified as Pathogenic.

Literature cited by the submitters: PubMed 27908349 (cited by Labcorp Genetics (formerly Invitae), Labcorp).